The following is an entry in ClinVar:

NM_058216.3(RAD51C):c.359C>A (p.Thr120Lys)

Gene: RAD51C (RAD51 paralog C; plus strand). Cytogenetic location: 17q22.
Variant type: single nucleotide variant.
Coding change: c.359C>A on transcript NM_058216.3 (MANE Select); coding-DNA position 359, C replaced by A.
Protein change: p.Thr120Lys; replaces threonine 120 with lysine.
Molecular consequence: missense variant. On other transcripts: non-coding transcript variant (2).
Genome position (GRCh38, 1-based): chr17:58,695,144, C>A. VCF-style: chr17-58695144-C-A. GRCh37 (hg19) VCF-style: chr17-56772505-C-A.
Other names: c.359C>A, p.Thr120Lys (NM_002876.4, NM_058217.1); short protein forms T120K.
Identifiers: ClinVar variation 1733043 (VCV001733043.3), dbSNP rs2143726041, ClinGen allele CA400341671.
Genomic context (GRCh38, chr17:58,695,144, plus strand): 5'-TAATCACCTTCTGTTCAGCACTAGATGATATTCTTGGGGGTGGAGTGCCCTTAATGAAAA[C>A]AACAGAAATTTGTGGTGCACCAGGTGTTGGAAAAACACAATTATGGTAAAATAAAGTGTT-3'
Protein context (NP_478123.1, residues 110-130): ILGGGVPLMK[Thr120Lys]TEICGAPGVG

ClinVar aggregate classification (germline): Uncertain significance (1 of 4 stars; one submission).

Conditions:
Hereditary cancer-predisposing syndrome. Also called: Neoplastic Syndromes, Hereditary; Tumor predisposition; Hereditary Cancer Syndrome; Hereditary neoplastic syndrome. Identifiers: Orphanet 140162, MedGen C0027672, MeSH D009386, MONDO:0015356.

Submission:

Ambry Genetics
Classification: Uncertain significance for Hereditary cancer-predisposing syndrome. Last evaluated: 2025-08-02. Review status: criteria provided, single submitter. Criteria: Ambry Variant Classification Scheme 2023. Collection method: clinical testing. Allele origin: germline.
Comment: The p.T120K variant (also known as c.359C>A), located in coding exon 2 of the RAD51C gene, results from a C to A substitution at nucleotide position 359. The threonine at codon 120 is replaced by lysine, an amino acid with similar properties. This amino acid position is conserved. In addition, the in silico prediction for this alteration is inconclusive. Since supporting evidence is limited at this time, the clinical significance of this alteration remains unclear.